The following is an entry in ClinVar:

NM_001739.2(CA5A):c.77G>A (p.Arg26His)

Gene: CA5A (carbonic anhydrase 5A; minus strand). Cytogenetic location: 16q24.2.
Variant type: single nucleotide variant.
Coding change: c.77G>A on transcript NM_001739.2 (MANE Select); coding-DNA position 77, G replaced by A.
Protein change: p.Arg26His; replaces arginine 26 with histidine.
Molecular consequence: missense variant. On other transcripts: non-coding transcript variant (2).
Genome position (GRCh38, 1-based): chr16:87,936,374, C>T on the plus strand (G>A on the coding strand, the complement: CA5A is on the minus strand). VCF-style: chr16-87936374-C-T. GRCh37 (hg19) VCF-style: chr16-87969980-C-T.
Other names: c.77G>A (NM_001739.1); c.77G>A, p.Arg26His (NM_001367225.1); short protein forms R26H.
Identifiers: ClinVar variation 2067315 (VCV002067315.5), dbSNP rs368273900, ClinGen allele CA8223644.

ClinVar aggregate classification (germline): Uncertain significance. Review status: criteria provided, multiple submitters, no conflicts (2 of 4 stars). 2 submissions from 2 submitters: Uncertain significance (2). Last evaluated 2023-03-06.

Conditions:
Hyperammonemic encephalopathy due to carbonic anhydrase VA deficiency. Also called: Carbonic Anhydrase VA Deficiency; Carbonic anhydrase VA deficiency, hyperammonemia due to. Identifiers: Orphanet 401948, MedGen C4706871, MONDO:0014332, OMIM 615751.
CA5A-related disorder. Also called: CA5A-related condition.

Allele frequency attached by ClinVar (database versions not stated): ExAC 0.00002; gnomAD 0.00003; TOPMed 0.00006; ESP Exome Variant Server 0.00008.
gnomAD v4.1: 75 of 1,613,866 alleles (0.0046%); highest among the groups gnomAD compares: Non-Finnish European, 0.0058%; no homozygotes.

Submissions (2):

PreventionGenetics, part of Exact Sciences
Classification: Uncertain significance for CA5A-related condition. Last evaluated: 2023-03-06. Review status: criteria provided, single submitter. Criteria: ACMG Guidelines, 2015. Collection method: clinical testing. Allele origin: germline.
Comment: The CA5A c.77G>A variant is predicted to result in the amino acid substitution p.Arg26His. To our knowledge, this variant has not been reported in the literature. This variant is reported in 0.0046% of alleles in individuals of European (Non-Finnish) descent in gnomAD. At this time, the clinical significance of this variant is uncertain due to the absence of conclusive functional and genetic evidence.

Labcorp Genetics (formerly Invitae), Labcorp
Classification: Uncertain significance for Hyperammonemic encephalopathy due to carbonic anhydrase VA deficiency. Last evaluated: 2022-05-27. Review status: criteria provided, single submitter. Criteria: Invitae Variant Classification Sherloc (09022015). Collection method: clinical testing. Allele origin: germline.
Comment: In summary, the available evidence is currently insufficient to determine the role of this variant in disease. Therefore, it has been classified as a Variant of Uncertain Significance. Algorithms developed to predict the effect of missense changes on protein structure and function output the following: SIFT: "Tolerated"; PolyPhen-2: "Benign"; Align-GVGD: "Class C0". The histidine amino acid residue is found in multiple mammalian species, which suggests that this missense change does not adversely affect protein function. This variant has not been reported in the literature in individuals affected with CA5A-related conditions. This variant is present in population databases (rs368273900, gnomAD 0.005%). This sequence change replaces arginine, which is basic and polar, with histidine, which is basic and polar, at codon 26 of the CA5A protein (p.Arg26His).